The following is an entry in ClinVar:

ClinVar aggregate classification (germline): Pathogenic (1 of 4 stars; one submission).

Conditions:
RAPSN-related disorder. Also called: RAPSN-related condition; RAPSN-related disorders. Identifiers: MedGen CN239397.

Submission:

Myriad Genetics, Inc.
Classification: Pathogenic for RAPSN-related disorder. Last evaluated: 2025-07-02. Review status: criteria provided, single submitter. Criteria: Myriad Autosomal Dominant, Autosomal Recessive and X-Linked Classification Criteria (2023). Collection method: clinical testing. Allele origin: unknown.
Comment: NM_005055.4(RAPSN):c.594delA(G199Afs*4) is expected to be pathogenic in the context of RAPSN-related disorders. This variant is predicted to lead to an abnormal or absent protein product due to the creation of a premature termination codon in RAPSN, a gene where loss-of-function variants are known to be pathogenic. Please note: this variant was assessed in the context of healthy population screening.

NM_005055.5(RAPSN):c.594del (p.Gly199fs)

Gene: RAPSN (receptor associated protein of the synapse; minus strand). Cytogenetic location: 11p11.2.
Variant type: Deletion.
Coding change: c.594del on transcript NM_005055.5 (MANE Select); coding-DNA position 594, one base deleted (A; older notation c.594delA).
Protein change: p.Gly199fs; shifts the reading frame from glycine 199.
Molecular consequence: frameshift variant. On other transcripts: intron variant (4).
Genome position (GRCh38, 1-based): chr11:47,442,752, T deleted on the plus strand (A on the coding strand, the reverse complement: RAPSN is on the minus strand); the first of 3 consecutive T bases (chr11:47,442,752-47,442,754); deleting any one gives the same sequence. VCF-style (leftmost placement, unchanged base first): chr11-47442751-CT-C. GRCh37 (hg19) VCF-style: chr11-47464303-CT-C.
Other names: c.594del, p.Gly199fs (NM_001440490.1, NM_001440491.1, NM_001440492.1 and 8 more transcripts); c.255del, p.Gly86fs (NM_001440504.1); c.532-831del (NM_001440503.1, NM_001440493.1, NM_001440502.1 and 1 more transcripts); short protein forms G199fs, G86fs.
Identifiers: ClinVar variation 5014676 (VCV005014676.1).